The following is an entry in ClinVar:

NM_000070.3(CAPN3):c.1029+6C>T

Gene: CAPN3 (calpain 3; plus strand). Cytogenetic location: 15q15.1.
Variant type: single nucleotide variant.
Coding change: c.1029+6C>T on transcript NM_000070.3 (MANE Select); 6 bases into the intron after coding-DNA position 1029, C replaced by T.
Molecular consequence: intron variant.
Genome position (GRCh38, 1-based): chr15:42,392,728, C>T. VCF-style: chr15-42392728-C-T. GRCh37 (hg19) VCF-style: chr15-42684926-C-T.
Other names: c.1029+6C>T (NM_024344.2); c.885+6C>T (NM_173087.2).
Identifiers: ClinVar variation 2913683 (VCV002913683.3), dbSNP rs2053593161, ClinGen allele CA2172712110.
Genomic context (GRCh38, chr15:42,392,728, plus strand): 5'-AATGGCCTGCGGGCTGGTCAGAGGTCACGCCTACTCTGTCACGGGGCTGGATGAGGTAAG[C>T]CTGGTGGGGCTTGGTGGGGCAAGGGCACCCTCCTGGGTTAACCTCATGAAGTCAGGACTT-3'

ClinVar aggregate classification (germline): Uncertain significance (1 of 4 stars; one submission).

Conditions:
Autosomal recessive limb-girdle muscular dystrophy type 2A (LGMDR1). Also called: LEYDEN-MOEBIUS MUSCULAR DYSTROPHY; MUSCULAR DYSTROPHY, PELVOFEMORAL; Muscular dystrophy, limb-girdle, type 2A, Amish; Limb-girdle muscular dystrophy, type 2A; Calpainopathy. Identifiers: Orphanet 267, MedGen C1869123, MONDO:0009675, OMIM 253600. Disease mechanism: loss of function.

Allele frequency attached by ClinVar (database versions not stated): gnomAD exomes below 0.00001; TOPMed below 0.00001.
gnomAD v4.1: 2 of 1,612,786 alleles (0.00012%); highest among the groups gnomAD compares: Non-Finnish European, 0.00017%; no homozygotes.

Submission:

Labcorp Genetics (formerly Invitae), Labcorp
Classification: Uncertain significance for Autosomal recessive limb-girdle muscular dystrophy type 2A. Last evaluated: 2024-11-18. Review status: criteria provided, single submitter. Criteria: Invitae Variant Classification Sherloc (09022015). Collection method: clinical testing. Allele origin: germline.
Comment: This sequence change falls in intron 7 of the CAPN3 gene. It does not directly change the encoded amino acid sequence of the CAPN3 protein. It affects a nucleotide within the consensus splice site. This variant is not present in population databases (gnomAD no frequency). This variant has not been reported in the literature in individuals affected with CAPN3-related conditions. ClinVar contains an entry for this variant (Variation ID: 2913683). Variants that disrupt the consensus splice site are a relatively common cause of aberrant splicing (PMID: 17576681, 9536098). Algorithms developed to predict the effect of sequence changes on RNA splicing suggest that this variant is not likely to affect RNA splicing. In summary, the available evidence is currently insufficient to determine the role of this variant in disease. Therefore, it has been classified as a Variant of Uncertain Significance.

Literature cited by the submitters: PubMed 17576681; PubMed 9536098.